The following is an entry in ClinVar:

ClinVar aggregate classification (germline): Uncertain significance (1 of 4 stars; one submission).

Submission:

Labcorp Genetics (formerly Invitae), Labcorp
Classification: Uncertain significance. Last evaluated: 2025-07-04. Review status: criteria provided, single submitter. Criteria: Invitae Variant Classification Sherloc (09022015). Collection method: clinical testing. Allele origin: germline.
Comment: This sequence change replaces isoleucine, which is neutral and non-polar, with valine, which is neutral and non-polar, at codon 783 of the TECTA protein (p.Ile783Val). This variant is not present in population databases (gnomAD no frequency). This variant has not been reported in the literature in individuals affected with TECTA-related conditions. Invitae Evidence Modeling of protein sequence and biophysical properties (such as structural, functional, and spatial information, amino acid conservation, physicochemical variation, residue mobility, and thermodynamic stability) indicates that this missense variant is not expected to disrupt TECTA protein function with a negative predictive value of 95%. In summary, the available evidence is currently insufficient to determine the role of this variant in disease. Therefore, it has been classified as a Variant of Uncertain Significance.

NM_005422.4(TECTA):c.2347A>G (p.Ile783Val)

Genes: TBCEL-TECTA (TBCEL-TECTA readthrough; plus strand), TECTA (tectorin alpha; plus strand). Cytogenetic location: 11q23.3.
Variant type: single nucleotide variant.
Coding change: c.2347A>G on transcript NM_005422.4 (MANE Select); coding-DNA position 2347, A replaced by G.
Protein change: p.Ile783Val; replaces isoleucine 783 with valine.
Molecular consequence: missense variant.
Genome position (GRCh38, 1-based): chr11:121,128,324, A>G. VCF-style: chr11-121128324-A-G. GRCh37 (hg19) VCF-style: chr11-120999033-A-G.
Other names: c.3304A>G, p.Ile1102Val (NM_001378761.1); short protein forms I1102V, I783V.
Identifiers: ClinVar variation 4702410 (VCV004702410.1).